The following is an entry in ClinVar:

ClinVar aggregate classification (germline): Uncertain significance. Review status: criteria provided, multiple submitters, no conflicts (2 of 4 stars). 2 submissions from 2 submitters: Uncertain significance (2). Last evaluated 2025-01-08.

Conditions:
Familial temporal lobe epilepsy 7. Identifiers: Orphanet 101046, MedGen C4225327, MONDO:0014639, OMIM 616436.
Norman-Roberts syndrome (LIS2). Also called: Lissencephaly 2 (Norman-Roberts type). Identifiers: Orphanet 89844, MedGen C0796089, MONDO:0009760, OMIM 257320.

Submissions (2):

GeneDx
Classification: Uncertain significance. Last evaluated: 2025-01-08. Review status: criteria provided, single submitter. Criteria: GeneDx Variant Classification Process June 2021. Collection method: clinical testing. Allele origin: germline. Affected: yes.
Comment: Not observed at significant frequency in large population cohorts (gnomAD); In silico analysis supports that this missense variant has a deleterious effect on protein structure/function; Has not been previously published as pathogenic or benign to our knowledge

Labcorp Genetics (formerly Invitae), Labcorp
Classification: Uncertain significance for Familial temporal lobe epilepsy 7; Norman-Roberts syndrome. Last evaluated: 2020-08-27. Review status: criteria provided, single submitter. Criteria: Invitae Variant Classification Sherloc (09022015). Collection method: clinical testing. Allele origin: germline.
Comment: Algorithms developed to predict the effect of missense changes on protein structure and function are either unavailable or do not agree on the potential impact of this missense change (SIFT: "Deleterious"; PolyPhen-2: "Possibly Damaging"; Align-GVGD: "Class C0"). In summary, the available evidence is currently insufficient to determine the role of this variant in disease. Therefore, it has been classified as a Variant of Uncertain Significance. This variant has not been reported in the literature in individuals with RELN-related conditions. This variant is not present in population databases (ExAC no frequency). This sequence change replaces glycine with aspartic acid at codon 1152 of the RELN protein (p.Gly1152Asp). The glycine residue is highly conserved and there is a moderate physicochemical difference between glycine and aspartic acid.

NM_005045.4(RELN):c.3455G>A (p.Gly1152Asp)

Gene: RELN (reelin; minus strand). Cytogenetic location: 7q22.1.
Variant type: single nucleotide variant.
Coding change: c.3455G>A on transcript NM_005045.4 (MANE Select); coding-DNA position 3455, G replaced by A.
Protein change: p.Gly1152Asp; replaces glycine 1152 with aspartic acid.
Molecular consequence: missense variant.
Genome position (GRCh38, 1-based): chr7:103,596,540, C>T on the plus strand (G>A on the coding strand, the complement: RELN is on the minus strand). VCF-style: chr7-103596540-C-T. GRCh37 (hg19) VCF-style: chr7-103236987-C-T.
Other names: c.3455G>A (NM_005045.3); c.3455G>A, p.Gly1152Asp (NM_173054.3); short protein forms G1152D.
Identifiers: ClinVar variation 1004048 (VCV001004048.9), dbSNP rs1831541293, ClinGen allele CA368760830.